The following is an entry in ClinVar:

NM_030943.4(AMN):c.395C>T (p.Ala132Val)

Gene: AMN (amnion associated transmembrane protein; plus strand). Cytogenetic location: 14q32.32.
Variant type: single nucleotide variant.
Coding change: c.395C>T on transcript NM_030943.4 (MANE Select); coding-DNA position 395, C replaced by T.
Protein change: p.Ala132Val; replaces alanine 132 with valine.
Molecular consequence: missense variant.
Genome position (GRCh38, 1-based): chr14:102,928,857, C>T. VCF-style: chr14-102928857-C-T. GRCh37 (hg19) VCF-style: chr14-103395194-C-T.
Other names: short protein forms A132V.
Identifiers: ClinVar variation 1963744 (VCV001963744.5), dbSNP rs778640033, ClinGen allele CA267175002.

ClinVar aggregate classification (germline): Uncertain significance (1 of 4 stars; one submission).

Conditions:
Imerslund-Grasbeck syndrome. Also called: Megaloblastic anemia due to inborn errors of metabolism; PERNICIOUS ANEMIA, JUVENILE, DUE TO SELECTIVE INTESTINAL MALABSORPTION OF VITAMIN B12, WITH PROTEINURIA; ENTEROCYTE COBALAMIN MALABSORPTION; ENTEROCYTE INTRINSIC FACTOR RECEPTOR, DEFECT OF; Imerslund-Gräsbeck syndrome. Identifiers: Orphanet 35858, MedGen C4551825, MONDO:0009853.

Allele frequency attached by ClinVar (database versions not stated): TOPMed below 0.00001; gnomAD 0.00001.

Submission:

Labcorp Genetics (formerly Invitae), Labcorp
Classification: Uncertain significance for Imerslund-Grasbeck syndrome. Last evaluated: 2022-08-01. Review status: criteria provided, single submitter. Criteria: Invitae Variant Classification Sherloc (09022015). Collection method: clinical testing. Allele origin: germline.
Comment: This variant has not been reported in the literature in individuals affected with AMN-related conditions. This variant is present in population databases (rs778640033, gnomAD 0.007%). This sequence change replaces alanine, which is neutral and non-polar, with valine, which is neutral and non-polar, at codon 132 of the AMN protein (p.Ala132Val). Algorithms developed to predict the effect of missense changes on protein structure and function are either unavailable or do not agree on the potential impact of this missense change (SIFT: "Tolerated"; PolyPhen-2: "Possibly Damaging"; Align-GVGD: "Class C0"). In summary, the available evidence is currently insufficient to determine the role of this variant in disease. Therefore, it has been classified as a Variant of Uncertain Significance.